The following is an entry in ClinVar:

ClinVar aggregate classification (germline): Uncertain significance (1 of 4 stars; one submission).

Allele frequency attached by ClinVar (database versions not stated): gnomAD 0.00001; gnomAD exomes 0.00001; TOPMed 0.00003.
gnomAD v4.1: 5 of 1,533,760 alleles (0.00033%); highest among the groups gnomAD compares: Admixed American, 0.0064%; no homozygotes.

Submission:

Labcorp Genetics (formerly Invitae), Labcorp
Classification: Uncertain significance. Last evaluated: 2023-05-21. Review status: criteria provided, single submitter. Criteria: Invitae Variant Classification Sherloc (09022015). Collection method: clinical testing. Allele origin: germline.
Comment: In summary, the available evidence is currently insufficient to determine the role of this variant in disease. Therefore, it has been classified as a Variant of Uncertain Significance. An algorithm developed to predict the effect of missense changes on protein structure and function (PolyPhen-2) suggests that this variant is likely to be tolerated. This variant has not been reported in the literature in individuals affected with FZD5-related conditions. This variant is present in population databases (no rsID available, gnomAD 0.009%). This sequence change replaces alanine, which is neutral and non-polar, with serine, which is neutral and polar, at codon 561 of the FZD5 protein (p.Ala561Ser).

NM_003468.4(FZD5):c.1681G>T (p.Ala561Ser)

Gene: FZD5 (frizzled class receptor 5; minus strand). Cytogenetic location: 2q33.3.
Variant type: single nucleotide variant.
Coding change: c.1681G>T on transcript NM_003468.4 (MANE Select); coding-DNA position 1681, G replaced by T.
Protein change: p.Ala561Ser; replaces alanine 561 with serine.
Molecular consequence: missense variant.
Genome position (GRCh38, 1-based): chr2:207,767,059, C>A on the plus strand (G>T on the coding strand, the complement: FZD5 is on the minus strand). VCF-style: chr2-207767059-C-A. GRCh37 (hg19) VCF-style: chr2-208631783-C-A.
Other names: short protein forms A561S.
Identifiers: ClinVar variation 2721057 (VCV002721057.3), dbSNP rs1330231812, ClinGen allele CA350083859.